The following is an entry in ClinVar:

ClinVar aggregate classification (germline): Uncertain significance (1 of 4 stars; one submission).

Submission:

Labcorp Genetics (formerly Invitae), Labcorp
Classification: Uncertain significance. Last evaluated: 2024-10-15. Review status: criteria provided, single submitter. Criteria: Invitae Variant Classification Sherloc (09022015). Collection method: clinical testing. Allele origin: germline.
Comment: This sequence change creates a premature translational stop signal (p.Leu861Argfs*7) in the NLRP1 gene. It is expected to result in an absent or disrupted protein product. However, the current clinical and genetic evidence is not sufficient to establish whether loss-of-function variants in NLRP1 cause disease. This variant is not present in population databases (gnomAD no frequency). This variant has not been reported in the literature in individuals affected with NLRP1-related conditions. In summary, the available evidence is currently insufficient to determine the role of this variant in disease. Therefore, it has been classified as a Variant of Uncertain Significance.

NM_033004.4(NLRP1):c.2582del (p.Leu861fs)

Gene: NLRP1 (NLR family pyrin domain containing 1; minus strand). Cytogenetic location: 17p13.2.
Variant type: Deletion.
Coding change: c.2582del on transcript NM_033004.4 (MANE Select); coding-DNA position 2582, one base deleted (T; older notation c.2582delT).
Protein change: p.Leu861fs; shifts the reading frame from leucine 861.
Molecular consequence: frameshift variant.
Genome position (GRCh38, 1-based): chr17:5,541,974, A deleted on the plus strand (T on the coding strand, the reverse complement: NLRP1 is on the minus strand). VCF-style (leftmost placement, unchanged base first): chr17-5541973-CA-C. GRCh37 (hg19) VCF-style: chr17-5445293-CA-C.
Other names: c.2582del, p.Leu861fs (NM_001033053.3, NM_014922.5, NM_033006.4 and 1 more transcripts); short protein forms L861fs.
Identifiers: ClinVar variation 3672990 (VCV003672990.2).